The following is an entry in ClinVar:

ClinVar aggregate classification (germline): Uncertain significance (1 of 4 stars; one submission).

Conditions:
Hereditary cancer-predisposing syndrome. Also called: Tumor predisposition; Hereditary neoplastic syndrome; Neoplastic Syndromes, Hereditary; Hereditary Cancer Syndrome. Identifiers: Orphanet 140162, MedGen C0027672, MeSH D009386, MONDO:0015356.

Submission:

Ambry Genetics
Classification: Uncertain significance for Hereditary cancer-predisposing syndrome. Last evaluated: 2025-04-25. Review status: criteria provided, single submitter. Criteria: Ambry Variant Classification Scheme 2023. Collection method: clinical testing. Allele origin: germline.
Comment: The p.N558Y variant (also known as c.1672A>T), located in coding exon 11 of the CDH1 gene, results from an A to T substitution at nucleotide position 1672. The asparagine at codon 558 is replaced by tyrosine, an amino acid with dissimilar properties. This amino acid position is conserved. In addition, the in silico prediction for this alteration is inconclusive. Based on the available evidence, the clinical significance of this variant remains unclear.

NM_004360.5(CDH1):c.1672A>T (p.Asn558Tyr)

Gene: CDH1 (cadherin 1; plus strand). Cytogenetic location: 16q22.1.
Variant type: single nucleotide variant.
Coding change: c.1672A>T on transcript NM_004360.5 (MANE Select); coding-DNA position 1672, A replaced by T.
Protein change: p.Asn558Tyr; replaces asparagine 558 with tyrosine.
Molecular consequence: missense variant. On other transcripts: intron variant (1).
Genome position (GRCh38, 1-based): chr16:68,819,386, A>T. VCF-style: chr16-68819386-A-T. GRCh37 (hg19) VCF-style: chr16-68853289-A-T.
Other names: c.1489A>T, p.Asn497Tyr (NM_001317184.2); c.124A>T, p.Asn42Tyr (NM_001317185.2); c.-254-2615A>T (NM_001317186.2); short protein forms N497Y, N558Y, N42Y.
Identifiers: ClinVar variation 3998771 (VCV003998771.1).
Genomic context (GRCh38, chr16:68,819,386, plus strand): 5'-GACACTGGTGCCATTTCCACTCGGGCTGAGCTGGACAGGGAGGATTTTGAGCACGTGAAG[A>T]ACAGCACGTACACAGCCCTAATCATAGCTACAGACAATGGTAAGGGGGCCTCATCTGAGC-3'
Protein context (NP_004351.1, residues 548-568): LDREDFEHVK[Asn558Tyr]STYTALIIAT